The following is an entry in ClinVar:

NM_000489.6(ATRX):c.3499A>G (p.Lys1167Glu)

Gene: ATRX (ATRX chromatin remodeler; minus strand). Cytogenetic location: Xq21.1.
Variant type: single nucleotide variant.
Coding change: c.3499A>G on transcript NM_000489.6 (MANE Select); coding-DNA position 3499, A replaced by G.
Protein change: p.Lys1167Glu; replaces lysine 1167 with glutamic acid.
Molecular consequence: missense variant.
Genome position (GRCh38, 1-based): chrX:77,681,757, T>C on the plus strand (A>G on the coding strand, the complement: ATRX is on the minus strand). VCF-style: chrX-77681757-T-C. GRCh37 (hg19) VCF-style: chrX-76937249-T-C.
Other names: c.3385A>G, p.Lys1129Glu (NM_138270.5); short protein forms K1129E, K1167E.
Identifiers: ClinVar variation 3364511 (VCV003364511.1).
Genomic context (GRCh38, chrX:77,681,757, plus strand): 5'-TTCTCTTTTTCTCCTTGACAATGACTGCCTTCTTTTTAGATGAAGTTCTTTGCTTCTTCT[T>C]TTTATTATCTTCAGAACTTTCCTCAGCATCAGATGATGATGAGCCACTTTGTATTTCCTT-3'
Protein context (NP_000480.3, residues 1157-1177): DAEESSEDNK[Lys1167Glu]KKQRTSSKKK

ClinVar aggregate classification (germline): Uncertain significance (1 of 4 stars; one submission).

Submission:

GeneDx
Classification: Uncertain significance. Last evaluated: 2023-11-18. Review status: criteria provided, single submitter. Criteria: GeneDx Variant Classification Process June 2021. Collection method: clinical testing. Allele origin: germline. Affected: yes.
Comment: Not observed at significant frequency in large population cohorts (gnomAD); In silico analysis supports that this missense variant does not alter protein structure/function; Has not been previously published as pathogenic or benign to our knowledge